The following is an entry in ClinVar:

ClinVar aggregate classification (germline): Uncertain significance (1 of 4 stars; one submission).

Allele frequency attached by ClinVar (database versions not stated): gnomAD 0.00001; TOPMed 0.00003.
gnomAD v4.1: 2 of 1,614,018 alleles (0.00012%); highest among the groups gnomAD compares: African/African-American, 0.0027%; no homozygotes.

Submission:

Labcorp Genetics (formerly Invitae), Labcorp
Classification: Uncertain significance. Last evaluated: 2023-11-13. Review status: criteria provided, single submitter. Criteria: Invitae Variant Classification Sherloc (09022015). Collection method: clinical testing. Allele origin: germline.
Comment: This sequence change replaces glutamic acid, which is acidic and polar, with glycine, which is neutral and non-polar, at codon 645 of the CDH3 protein (p.Glu645Gly). This variant is not present in population databases (gnomAD no frequency). This variant has not been reported in the literature in individuals affected with CDH3-related conditions. ClinVar contains an entry for this variant (Variation ID: 2198346). Advanced modeling of protein sequence and biophysical properties (such as structural, functional, and spatial information, amino acid conservation, physicochemical variation, residue mobility, and thermodynamic stability) performed at Invitae indicates that this missense variant is not expected to disrupt CDH3 protein function with a negative predictive value of 80%. In summary, the available evidence is currently insufficient to determine the role of this variant in disease. Therefore, it has been classified as a Variant of Uncertain Significance.

NM_001793.6(CDH3):c.1934A>G (p.Glu645Gly)

Gene: CDH3 (cadherin 3; plus strand). Cytogenetic location: 16q22.1.
Variant type: single nucleotide variant.
Coding change: c.1934A>G on transcript NM_001793.6 (MANE Select); coding-DNA position 1934, A replaced by G.
Protein change: p.Glu645Gly; replaces glutamic acid 645 with glycine.
Molecular consequence: missense variant.
Genome position (GRCh38, 1-based): chr16:68,691,858, A>G. VCF-style: chr16-68691858-A-G. GRCh37 (hg19) VCF-style: chr16-68725761-A-G.
Other names: c.1934A>G, p.Glu645Gly (NM_001317195.3); c.1769A>G, p.Glu590Gly (NM_001317196.2); short protein forms E645G, E590G.
Identifiers: ClinVar variation 2198346 (VCV002198346.4), dbSNP rs780349546, ClinGen allele CA283286321.
Genomic context (GRCh38, chr16:68,691,858, plus strand): 5'-GCAACAAAGAGCAGCTGACGGTGATCAGGGCCACTGTGTGCGACTGCCATGGCCATGTCG[A>G]AACCTGCCCTGGACCCTGGAAGGGAGGTTTCATCCTCCCTGTGCTGGGGGCTGTCCTGGC-3'
Protein context (NP_001784.2, residues 635-655): ATVCDCHGHV[Glu645Gly]TCPGPWKGGF